The following is an entry in ClinVar:

ClinVar aggregate classification (germline): Uncertain significance. Review status: criteria provided, multiple submitters, no conflicts (2 of 4 stars). 5 submissions from 5 submitters: Uncertain significance (4). 1 of the submissions does not count toward it. Last evaluated 2026-08-10.

Conditions:
Inborn genetic diseases. Identifiers: MedGen C0950123, MeSH D030342.
MKS1-related disorder. Also called: MKS1-related disorders; MKS1-related condition. Identifiers: MedGen CN239382.
Meckel-Gruber syndrome. Also called: GRUBER SYNDROME; Dysencephalia splachnocystica; DYSENCEPHALIA SPLANCHNOCYSTICA. Identifiers: Orphanet 564, MedGen C0265215, MONDO:0018921.
Joubert syndrome. Also called: JOUBERT-BOLTSHAUSER SYNDROME; Familial aplasia of the vermis. Identifiers: Orphanet 475, MedGen C5979921, MONDO:0018772.
Meckel syndrome, type 1 (MKS1). Also called: MECKEL-GRUBER SYNDROME, TYPE 1. Identifiers: Orphanet 564, MedGen C3714506, MONDO:0009571, OMIM 249000.

Allele frequency attached by ClinVar (database versions not stated): gnomAD exomes 0.00003; ExAC 0.00004; gnomAD 0.00001; TOPMed 0.00002.
gnomAD v4.1: 39 of 1,613,052 alleles (0.0024%); highest among the groups gnomAD compares: East Asian, 0.025%; no homozygotes.

Submissions (5):

PreventionGenetics, part of Exact Sciences
Classification: Uncertain significance for MKS1-related condition. Last evaluated: 2026-08-10. Review status: criteria provided, single submitter. Criteria: ACMG Guidelines, 2015. Collection method: clinical testing. Allele origin: germline.
Comment: The MKS1 c.1424G>A variant is predicted to result in the amino acid substitution p.Arg475His. To our knowledge, this variant has not been reported in the literature. This variant is reported in 0.0099% of alleles in individuals of Ashkenazi Jewish descent in gnomAD. At this time, the clinical significance of this variant is uncertain due to the absence of conclusive functional and genetic evidence.

Ambry Genetics
Classification: Uncertain significance for Inborn genetic diseases. Last evaluated: 2024-07-09. Review status: criteria provided, single submitter. Criteria: Ambry Variant Classification Scheme 2023. Collection method: clinical testing. Allele origin: germline.

Labcorp Genetics (formerly Invitae), Labcorp
Classification: Uncertain significance for Joubert syndrome; Meckel-Gruber syndrome. Last evaluated: 2022-06-14. Review status: criteria provided, single submitter. Criteria: Invitae Variant Classification Sherloc (09022015). Collection method: clinical testing. Allele origin: germline.
Comment: This sequence change replaces arginine, which is basic and polar, with histidine, which is basic and polar, at codon 475 of the MKS1 protein (p.Arg475His). This variant is present in population databases (rs200026560, gnomAD 0.01%). This variant has not been reported in the literature in individuals affected with MKS1-related conditions. ClinVar contains an entry for this variant (Variation ID: 452237). Advanced modeling of protein sequence and biophysical properties (such as structural, functional, and spatial information, amino acid conservation, physicochemical variation, residue mobility, and thermodynamic stability) performed at Invitae indicates that this missense variant is expected to disrupt MKS1 protein function. In summary, the available evidence is currently insufficient to determine the role of this variant in disease. Therefore, it has been classified as a Variant of Uncertain Significance.

GeneDx
Classification: Uncertain significance. Last evaluated: 2017-09-26. Review status: criteria provided, single submitter. Criteria: GeneDx Variant Classification (06012015). Collection method: clinical testing. Allele origin: germline. Affected: yes.
Comment: The c.1424 G>A variant has not been published as a pathogenic variant, nor has it been reported as a benign variant to our knowledge. It is observed in 4/66136 (0.006%) alleles from individuals of European background (Lek et al., 2016). In-silico splice prediction models suggest that c.1424 G>A destroys the natural splice acceptor site and may lead to abnormal gene splicing. However, in the absence of RNA/functional studies, the actual effect of this sequence change in this individual is unknown. If c.1424 G>A does not affect splicing, it will result in the R475H missense change. The R475H variant is a conservative amino acid substitution that occurs at a position that is conserved. In silico analysis predicts R475H is probably damaging to the protein structure/function. Based on the currently available information, it is unclear whether this variant is a pathogenic variant or a rare benign variant.

Natera, Inc.
Classification: Uncertain significance for Meckel syndrome type 1. Last evaluated: 2019-10-28. Review status: no assertion criteria provided. Collection method: clinical testing. Allele origin: germline. Not counted in ClinVar's aggregate classification.

NM_017777.4(MKS1):c.1424G>A (p.Arg475His)

Gene: MKS1 (MKS transition zone complex subunit 1; minus strand). Cytogenetic location: 17q22.
Variant type: single nucleotide variant.
Coding change: c.1424G>A on transcript NM_017777.4 (MANE Select); coding-DNA position 1424, G replaced by A.
Protein change: p.Arg475His; replaces arginine 475 with histidine.
Molecular consequence: missense variant. On other transcripts: intron variant (2).
Genome position (GRCh38, 1-based): chr17:58,206,531, C>T on the plus strand (G>A on the coding strand, the complement: MKS1 is on the minus strand). VCF-style: chr17-58206531-C-T. GRCh37 (hg19) VCF-style: chr17-56283892-C-T.
Other names: c.815G>A, p.Arg272His (NM_001321268.2); c.1274-151G>A (NM_001330397.2); c.1408-151G>A (NM_001321269.2); short protein forms R475H, R272H.
Identifiers: ClinVar variation 452237 (VCV000452237.11), dbSNP rs200026560, ClinGen allele CA8669124.
Genomic context (GRCh38, chr17:58,206,531, plus strand): 5'-TGCTGCAGACAGTGCAAGCGGAAGGTGACAGTGCCTGTGGTCTCTGTGCGGAGTCCAAAG[C>T]GGCTCAGGCGTTCCCCCTGTGGCATGCCATTGGGACAGCCTCAGGTTTCTGCTCTCTCTA-3'
Protein context (NP_060247.2, residues 465-485): PGSFKGERLS[Arg475His]FGLRTETTGT